The following is an entry in ClinVar:

ClinVar aggregate classification (germline): Uncertain significance (1 of 4 stars; one submission).

Submission:

Labcorp Genetics (formerly Invitae), Labcorp
Classification: Uncertain significance. Last evaluated: 2022-03-12. Review status: criteria provided, single submitter. Criteria: Invitae Variant Classification Sherloc (09022015). Collection method: clinical testing. Allele origin: germline.
Comment: This sequence change replaces glutamic acid, which is acidic and polar, with aspartic acid, which is acidic and polar, at codon 253 of the SLC24A5 protein (p.Glu253Asp). This variant is not present in population databases (gnomAD no frequency). This variant has not been reported in the literature in individuals affected with SLC24A5-related conditions. Algorithms developed to predict the effect of missense changes on protein structure and function output the following: SIFT: "Tolerated"; PolyPhen-2: "Benign"; Align-GVGD: "Class C0". The aspartic acid amino acid residue is found in multiple mammalian species, which suggests that this missense change does not adversely affect protein function. In summary, the available evidence is currently insufficient to determine the role of this variant in disease. Therefore, it has been classified as a Variant of Uncertain Significance.

NM_205850.3(SLC24A5):c.759A>C (p.Glu253Asp)

Genes: SLC24A5 (solute carrier family 24 member 5; plus strand), MYEF2 (myelin expression factor 2; minus strand). Cytogenetic location: 15q21.1.
Variant type: single nucleotide variant.
Coding change: c.759A>C on transcript NM_205850.3 (MANE Select); coding-DNA position 759, A replaced by C.
Protein change: p.Glu253Asp; replaces glutamic acid 253 with aspartic acid.
Molecular consequence: missense variant. On other transcripts: 3 prime UTR variant (2).
Genome position (GRCh38, 1-based): chr15:48,136,851, A>C. VCF-style: chr15-48136851-A-C. GRCh37 (hg19) VCF-style: chr15-48429048-A-C.
Other names: c.*6057T>G (NM_001301210.2, NM_016132.5); short protein forms E253D.
Identifiers: ClinVar variation 2109656 (VCV002109656.4), dbSNP rs2504611529, ClinGen allele CA392451822.